The following is an entry in ClinVar:

ClinVar aggregate classification (germline): Pathogenic (1 of 4 stars; one submission).

Conditions:
Neurofibromatosis, type 1 (NF1). Also called: VON RECKLINGHAUSEN DISEASE; Peripheral type neurofibromatosis; NEUROFIBROMATOSIS, TYPE I, SOMATIC; Neurofibromatosis, type I. Identifiers: Orphanet 636, MedGen C0027831, MONDO:0018975, OMIM 162200. Disease mechanism: loss of function.

Submission:

Labcorp Genetics (formerly Invitae), Labcorp
Classification: Pathogenic for Neurofibromatosis, type 1. Last evaluated: 2025-12-24. Review status: criteria provided, single submitter. Criteria: Invitae Variant Classification Sherloc (09022015). Collection method: clinical testing. Allele origin: germline.
Comment: This sequence change creates a premature translational stop signal (p.Ala456Hisfs*17) in the NF1 gene. It is expected to result in an absent or disrupted protein product. Loss-of-function variants in NF1 are known to be pathogenic (PMID: 10712197, 23913538). This variant is not present in population databases (gnomAD no frequency). This variant has not been reported in the literature in individuals affected with NF1-related conditions. For these reasons, this variant has been classified as Pathogenic.

Literature cited by the submitters: PubMed 10712197; PubMed 23913538.

NM_001042492.3(NF1):c.1365del (p.Ala456fs)

Gene: NF1 (neurofibromin 1; plus strand). Cytogenetic location: 17q11.2.
Variant type: Deletion.
Coding change: c.1365del on transcript NM_001042492.3 (MANE Select); coding-DNA position 1365, one base deleted (A; older notation c.1365delA).
Protein change: p.Ala456fs; shifts the reading frame from alanine 456.
Molecular consequence: frameshift variant.
Genome position (GRCh38, 1-based): chr17:31,206,344, A deleted. VCF-style (leftmost placement, unchanged base first): chr17-31206343-GA-G. GRCh37 (hg19) VCF-style: chr17-29533361-GA-G.
Other names: c.1365del, p.Ala456fs (NM_000267.4, NM_001128147.3); short protein forms A456fs.
Identifiers: ClinVar variation 4733487 (VCV004733487.1).